The following is an entry in ClinVar:

ClinVar aggregate classification (germline): Uncertain significance (1 of 4 stars; one submission).

Conditions:
Fibrous dysplasia of jaw (CRBM). Also called: Cherubism. Identifiers: Orphanet 184, MedGen C0008029, MONDO:0007315, OMIM 118400.

Submission:

Labcorp Genetics (formerly Invitae), Labcorp
Classification: Uncertain significance for Fibrous dysplasia of jaw. Last evaluated: 2019-03-21. Review status: criteria provided, single submitter. Criteria: Invitae Variant Classification Sherloc (09022015). Collection method: clinical testing. Allele origin: germline.
Comment: In summary, the available evidence is currently insufficient to determine the role of this variant in disease. Therefore, it has been classified as a Variant of Uncertain Significance. Algorithms developed to predict the effect of missense changes on protein structure and function are either unavailable or do not agree on the potential impact of this missense change (SIFT: "Tolerated"; PolyPhen-2: "Possibly Damaging"; Align-GVGD: "Class C0"). This variant has not been reported in the literature in individuals with SH3BP2-related disease. This variant is not present in population databases (ExAC no frequency). This sequence change replaces histidine with asparagine at codon 133 of the SH3BP2 protein (p.His133Asn). The histidine residue is moderately conserved and there is a small physicochemical difference between histidine and asparagine.

NM_001122681.2(SH3BP2):c.397C>A (p.His133Asn)

Gene: SH3BP2 (SH3 domain binding protein 2; plus strand). Cytogenetic location: 4p16.3.
Variant type: single nucleotide variant.
Coding change: c.397C>A on transcript NM_001122681.2 (MANE Select); coding-DNA position 397, C replaced by A.
Protein change: p.His133Asn; replaces histidine 133 with asparagine.
Molecular consequence: missense variant.
Genome position (GRCh38, 1-based): chr4:2,825,165, C>A. VCF-style: chr4-2825165-C-A. GRCh37 (hg19) VCF-style: chr4-2826892-C-A.
Other names: c.481C>A, p.His161Asn (LRG_1334t2, NM_001145855.2); c.397C>A, p.His133Asn (LRG_1334t1, NM_003023.4); c.568C>A, p.His190Asn (NM_001145856.2); short protein forms H133N, H161N, H190N.
Identifiers: ClinVar variation 647123 (VCV000647123.10), dbSNP rs1577360228, ClinGen allele CA356054021.